The following is an entry in ClinVar:

ClinVar aggregate classification (germline): Likely benign (1 of 4 stars; one submission).

Submission:

CeGaT Center for Human Genetics Tuebingen
Classification: Likely benign. Last evaluated: 2025-08-01. Review status: criteria provided, single submitter. Criteria: CeGaT Center For Human Genetics Tuebingen Variant Classification Criteria Version 2. Collection method: clinical testing. Allele origin: germline. Affected: yes. Observed: 1 variant allele.
Comment: PRRT2: PM2:Supporting, BP4, BP7

NM_145239.3(PRRT2):c.330C>G (p.Ser110=)

Genes: MVP-DT (MVP divergent transcript; minus strand), PRRT2 (proline rich transmembrane protein 2; plus strand). Cytogenetic location: 16p11.2.
Variant type: single nucleotide variant.
Coding change: c.330C>G on transcript NM_145239.3 (MANE Select); coding-DNA position 330, C replaced by G.
Protein change: p.Ser110=; no amino-acid change (serine 110 retained).
Molecular consequence: synonymous variant.
Genome position (GRCh38, 1-based): chr16:29,813,384, C>G. VCF-style: chr16-29813384-C-G. GRCh37 (hg19) VCF-style: chr16-29824705-C-G.
Other names: c.330C>G, p.Ser110= (NM_001256442.2, NM_001256443.2, NM_001438120.1 and 2 more transcripts).
Identifiers: ClinVar variation 4085640 (VCV004085640.8).
Genomic context (GRCh38, chr16:29,813,384, plus strand): 5'-CCCAGGAGGGGAATCAAAGGCCAACTGCAGCCCCGAAGACCCATGCCAAGAAACAGTGTC[C>G]AAACCAGAAGTGAGCAAAGAGGCCACTGCAGACCAGGGGTCCAGGCTGGAGTCTGCAGCC-3'
Protein context (NP_660282.2, residues 100-120): SPEDPCQETV[Ser110=]KPEVSKEATA